The following is an entry in ClinVar:

ClinVar aggregate classification (germline): Uncertain significance. Review status: criteria provided, multiple submitters, no conflicts (2 of 4 stars). 2 submissions from 2 submitters: Uncertain significance (2). Last evaluated 2023-08-17.

Conditions:
Tay-Sachs disease (TSD). Also called: HEXA DEFICIENCY; GM2 gangliosidosis, type 1; Hexosaminidase alpha-subunit deficiency (variant B); Sphingolipidosis, Tay-Sachs; Hexosaminidase A Deficiency; HEXA Disorders. Identifiers: Orphanet 845, MedGen C0039373, MONDO:0010100, OMIM 272800.

Allele frequency attached by ClinVar (database versions not stated): gnomAD exomes below 0.00001.
gnomAD v4.1: 7 of 1,614,252 alleles (0.00043%); highest among the groups gnomAD compares: Admixed American, 0.0017%; no homozygotes.

Submissions (2):

Mayo Clinic Laboratories, Mayo Clinic
Classification: Uncertain significance. Last evaluated: 2023-08-17. Review status: criteria provided, single submitter. Criteria: ACMG Guidelines, 2015. Collection method: clinical testing. Allele origin: germline. Observed: 1 variant allele.
Comment: PP3, PM2_moderate

Labcorp Genetics (formerly Invitae), Labcorp
Classification: Uncertain significance for Tay-Sachs disease. Last evaluated: 2018-04-12. Review status: criteria provided, single submitter. Criteria: Invitae Variant Classification Sherloc (09022015). Collection method: clinical testing. Allele origin: germline.
Comment: This sequence change replaces proline with leucine at codon 27 of the HEXA protein (p.Pro27Leu). The proline residue is highly conserved and there is a moderate physicochemical difference between proline and leucine. This variant is not present in population databases (ExAC no frequency). This variant has not been reported in the literature in individuals with HEXA-related disease. Algorithms developed to predict the effect of missense changes on protein structure and function do not agree on the potential impact of this missense change (SIFT: "Deleterious"; PolyPhen-2: "Probably Damaging"; Align-GVGD: "Class C0"). In summary, the available evidence is currently insufficient to determine the role of this variant in disease. Therefore, it has been classified as a Variant of Uncertain Significance.

NM_000520.6(HEXA):c.80C>T (p.Pro27Leu)

Gene: HEXA (hexosaminidase subunit alpha; minus strand). Cytogenetic location: 15q23.
Variant type: single nucleotide variant.
Coding change: c.80C>T on transcript NM_000520.6 (MANE Select); coding-DNA position 80, C replaced by T.
Protein change: p.Pro27Leu; replaces proline 27 with leucine.
Molecular consequence: missense variant. On other transcripts: non-coding transcript variant (1).
Genome position (GRCh38, 1-based): chr15:72,375,893, G>A on the plus strand (C>T on the coding strand, the complement: HEXA is on the minus strand). VCF-style: chr15-72375893-G-A. GRCh37 (hg19) VCF-style: chr15-72668234-G-A.
Other names: p.Pro27Leu; c.80C>T, p.Pro27Leu (NM_001318825.2); short protein forms P27L.
Identifiers: ClinVar variation 2018597 (VCV002018597.2), dbSNP rs1344884967, ClinGen allele CA393070620.